The following is an entry in ClinVar:

ClinVar aggregate classification (germline): Uncertain significance. Review status: criteria provided, multiple submitters, no conflicts (2 of 4 stars). 2 submissions from 2 submitters: Uncertain significance (2). Last evaluated 2024-01-16.

Conditions:
Inborn genetic diseases. Identifiers: MedGen C0950123, MeSH D030342.

Allele frequency attached by ClinVar (database versions not stated): ExAC 0.00002; gnomAD 0.00002.
gnomAD v4.1: 16 of 1,570,678 alleles (0.001%); highest among the groups gnomAD compares: South Asian, 0.0034%; no homozygotes.

Submissions (2):

Ambry Genetics
Classification: Uncertain significance for Inborn genetic diseases. Last evaluated: 2024-01-16. Review status: criteria provided, single submitter. Criteria: Ambry Variant Classification Scheme 2023. Collection method: clinical testing. Allele origin: germline.

Labcorp Genetics (formerly Invitae), Labcorp
Classification: Uncertain significance. Last evaluated: 2021-09-30. Review status: criteria provided, single submitter. Criteria: Invitae Variant Classification Sherloc (09022015). Collection method: clinical testing. Allele origin: germline.
Comment: This sequence change replaces arginine with cysteine at codon 713 of the LIFR protein (p.Arg713Cys). The arginine residue is moderately conserved and there is a large physicochemical difference between arginine and cysteine. This variant is present in population databases (rs776173910, ExAC 0.01%). This variant has not been reported in the literature in individuals with LIFR-related conditions. Algorithms developed to predict the effect of missense changes on protein structure and function are either unavailable or do not agree on the potential impact of this missense change (SIFT: "Deleterious"; PolyPhen-2: "Possibly Damaging"; Align-GVGD: "Class C15"). In summary, the available evidence is currently insufficient to determine the role of this variant in disease. Therefore, it has been classified as a Variant of Uncertain Significance.

NM_001127671.2(LIFR):c.2137C>T (p.Arg713Cys)

Gene: LIFR (LIF receptor subunit alpha; minus strand). Cytogenetic location: 5p13.1.
Variant type: single nucleotide variant.
Coding change: c.2137C>T on transcript NM_001127671.2 (MANE Select); coding-DNA position 2137, C replaced by T.
Protein change: p.Arg713Cys; replaces arginine 713 with cysteine.
Molecular consequence: missense variant.
Genome position (GRCh38, 1-based): chr5:38,490,220, G>A on the plus strand (C>T on the coding strand, the complement: LIFR is on the minus strand). VCF-style: chr5-38490220-G-A. GRCh37 (hg19) VCF-style: chr5-38490322-G-A.
Other names: c.2137C>T, p.Arg713Cys (NM_001364297.2, NM_001364298.2, NM_002310.6); c.2137C>T (NM_002310.5); short protein forms R713C.
Identifiers: ClinVar variation 2160036 (VCV002160036.2), dbSNP rs776173910, ClinGen allele CA3242750.